The following is an entry in ClinVar:

NM_001349253.2(SCN11A):c.4006A>G (p.Met1336Val)

Gene: SCN11A (sodium voltage-gated channel alpha subunit 11; minus strand). Cytogenetic location: 3p22.2.
Variant type: single nucleotide variant.
Coding change: c.4006A>G on transcript NM_001349253.2 (MANE Select); coding-DNA position 4006, A replaced by G.
Protein change: p.Met1336Val; replaces methionine 1336 with valine.
Molecular consequence: missense variant.
Genome position (GRCh38, 1-based): chr3:38,863,245, T>C on the plus strand (A>G on the coding strand, the complement: SCN11A is on the minus strand). VCF-style: chr3-38863245-T-C. GRCh37 (hg19) VCF-style: chr3-38904736-T-C.
Other names: c.4006A>G, p.Met1336Val (NM_014139.3); short protein forms M1336V.
Identifiers: ClinVar variation 1413337 (VCV001413337.6), dbSNP rs747378384, ClinGen allele CA2321631.

ClinVar aggregate classification (germline): Uncertain significance (1 of 4 stars; one submission).

Conditions:
Hereditary sensory and autonomic neuropathy type 7. Also called: Neuropathy, hereditary sensory and autonomic, type VII; HSAN VII. Identifiers: Orphanet 391397, MedGen C3809882, MONDO:0014244, OMIM 615548.
Familial episodic pain syndrome with predominantly lower limb involvement. Also called: Episodic pain syndrome, familial, 3. Identifiers: Orphanet 391384, Orphanet 391392, MedGen C3809899, MONDO:0014247, OMIM 615552.

Allele frequency attached by ClinVar (database versions not stated): gnomAD exomes 0.00001 and below 0.00001; gnomAD 0.00003 and 0.00002; ExAC 0.00001.

Submission:

Labcorp Genetics (formerly Invitae), Labcorp
Classification: Uncertain significance for Familial episodic pain syndrome with predominantly lower limb involvement; Hereditary sensory and autonomic neuropathy type 7. Last evaluated: 2026-01-26. Review status: criteria provided, single submitter. Criteria: Invitae Variant Classification Sherloc (09022015). Collection method: clinical testing. Allele origin: germline.
Comment: This sequence change replaces methionine, which is neutral and non-polar, with valine, which is neutral and non-polar, at codon 1336 of the SCN11A protein (p.Met1336Val). This variant is not present in population databases (gnomAD no frequency). This variant has not been reported in the literature in individuals affected with SCN11A-related conditions. ClinVar contains an entry for this variant (Variation ID: 1413337). Invitae Evidence Modeling of protein sequence and biophysical properties (such as structural, functional, and spatial information, amino acid conservation, physicochemical variation, residue mobility, and thermodynamic stability) indicates that this missense variant is expected to disrupt SCN11A protein function with a positive predictive value of 80%. In summary, the available evidence is currently insufficient to determine the role of this variant in disease. Therefore, it has been classified as a Variant of Uncertain Significance.